The following is an entry in ClinVar:

NM_013266.4(CTNNA3):c.1549G>A (p.Asp517Asn)

Gene: CTNNA3 (catenin alpha 3; minus strand). Cytogenetic location: 10q21.3.
Variant type: single nucleotide variant.
Coding change: c.1549G>A on transcript NM_013266.4 (MANE Select); coding-DNA position 1549, G replaced by A.
Protein change: p.Asp517Asn; replaces aspartic acid 517 with asparagine.
Molecular consequence: missense variant.
Genome position (GRCh38, 1-based): chr10:66,379,335, C>T on the plus strand (G>A on the coding strand, the complement: CTNNA3 is on the minus strand). VCF-style: chr10-66379335-C-T. GRCh37 (hg19) VCF-style: chr10-68139093-C-T.
Other names: c.1549G>A, p.Asp517Asn (NM_001127384.3); short protein forms D517N.
Identifiers: ClinVar variation 3651824 (VCV003651824.2).
Genomic context (GRCh38, chr10:66,379,335, plus strand): 5'-CAGCACGGTCTAAATTATCAGCATCCTGGTCTCTTAAGGCTATGATACACTTGTTGACAT[C>T]TTCCAAGATATGGCTTTCTGTAAGTAAATGAATCAAATTAGTTTTTGCGTGTGTCTGTGT-3'
Protein context (NP_037398.2, residues 507-527): LAVSESHILE[Asp517Asn]VNKCIIALRD

ClinVar aggregate classification (germline): Uncertain significance (1 of 4 stars; one submission).

Conditions:
Arrhythmogenic right ventricular dysplasia 13. Also called: Arrhythmogenic right ventricular dysplasia, familial, 13; ARRHYTHMOGENIC RIGHT VENTRICULAR CARDIOMYOPATHY 13. Identifiers: MedGen C3810138, MONDO:0000908, OMIM 615616.

Submission:

Labcorp Genetics (formerly Invitae), Labcorp
Classification: Uncertain significance for Arrhythmogenic right ventricular dysplasia 13. Last evaluated: 2025-09-15. Review status: criteria provided, single submitter. Criteria: Invitae Variant Classification Sherloc (09022015). Collection method: clinical testing. Allele origin: germline.
Comment: This sequence change replaces aspartic acid, which is acidic and polar, with asparagine, which is neutral and polar, at codon 517 of the CTNNA3 protein (p.Asp517Asn). This variant is not present in population databases (gnomAD no frequency). This variant has not been reported in the literature in individuals affected with CTNNA3-related conditions. ClinVar contains an entry for this variant (Variation ID: 3651824). Invitae Evidence Modeling of protein sequence and biophysical properties (such as structural, functional, and spatial information, amino acid conservation, physicochemical variation, residue mobility, and thermodynamic stability) indicates that this missense variant is expected to disrupt CTNNA3 protein function with a positive predictive value of 80%. In summary, the available evidence is currently insufficient to determine the role of this variant in disease. Therefore, it has been classified as a Variant of Uncertain Significance.